The following is an entry in ClinVar:

NM_004329.3(BMPR1A):c.1473+3G>T

Gene: BMPR1A (bone morphogenetic protein receptor type 1A; plus strand). Cytogenetic location: 10q23.2.
Variant type: single nucleotide variant.
Coding change: c.1473+3G>T on transcript NM_004329.3 (MANE Select); 3 bases into the intron after coding-DNA position 1473, G replaced by T.
Molecular consequence: intron variant.
Genome position (GRCh38, 1-based): chr10:86,923,509, G>T. VCF-style: chr10-86923509-G-T. GRCh37 (hg19) VCF-style: chr10-88683266-G-T.
Other names: c.1473+3G>T (NM_001406562.1, NM_001406568.1, NM_001406567.1 and 19 more transcripts); c.1389+3G>T (NM_001406584.1, NM_001406588.1, NM_001406587.1 and 2 more transcripts); c.1521+3G>T (NM_001406560.1); c.1548+3G>T (NM_001406559.1); c.1467+3G>T (NM_001406583.1); c.1131+3G>T (NM_001406589.1).
Identifiers: ClinVar variation 4713169 (VCV004713169.1).

ClinVar aggregate classification (germline): Uncertain significance (1 of 4 stars; one submission).

Conditions:
Juvenile polyposis syndrome (JPS). Identifiers: Orphanet 2929, MedGen C0345893, MONDO:0017380, OMIM 174900.

Submission:

Labcorp Genetics (formerly Invitae), Labcorp
Classification: Uncertain significance for Juvenile polyposis syndrome. Last evaluated: 2025-02-18. Review status: criteria provided, single submitter. Criteria: Invitae Variant Classification Sherloc (09022015). Collection method: clinical testing. Allele origin: germline.
Comment: This sequence change falls in intron 12 of the BMPR1A gene. It does not directly change the encoded amino acid sequence of the BMPR1A protein. It affects a nucleotide within the consensus splice site. This variant is not present in population databases (gnomAD no frequency). This variant has not been reported in the literature in individuals affected with BMPR1A-related conditions. Variants that disrupt the consensus splice site are a relatively common cause of aberrant splicing (PMID: 17576681, 9536098). Algorithms developed to predict the effect of sequence changes on RNA splicing suggest that this variant may disrupt the consensus splice site. In summary, the available evidence is currently insufficient to determine the role of this variant in disease. Therefore, it has been classified as a Variant of Uncertain Significance.

Literature cited by the submitters: PubMed 17576681; PubMed 9536098.